The following is an entry in ClinVar:

NM_004235.6(KLF4):c.1206C>G (p.Gly402=)

Gene: KLF4 (KLF transcription factor 4; minus strand). Cytogenetic location: 9q31.2.
Variant type: single nucleotide variant.
Coding change: c.1206C>G on transcript NM_004235.6 (MANE Select); coding-DNA position 1206, C replaced by G.
Protein change: p.Gly402=; no amino-acid change (glycine 402 retained).
Molecular consequence: synonymous variant.
Genome position (GRCh38, 1-based): chr9:107,487,086, G>C on the plus strand (C>G on the coding strand, the complement: KLF4 is on the minus strand). VCF-style: chr9-107487086-G-C. GRCh37 (hg19) VCF-style: chr9-110249367-G-C.
Other names: c.1308C>G, p.Gly436= (NM_001314052.2).
Identifiers: ClinVar variation 4990658 (VCV004990658.1).
Genomic context (GRCh38, chr9:107,487,086, plus strand): 5'-ACCTGTGTGGGTTCGCAGGTGTGCCTTGAGATGGGAACTCTTTGTGTAGGTTTTGCCGCA[G>C]CCCGCGTAATCACAAGTGTGGGTGGCGGTCCTTTTCCGGGGCCACGATCGTCTTCCCCTC-3'
Protein context (NP_004226.3, residues 392-412): RTATHTCDYA[Gly402=]CGKTYTKSSH

ClinVar aggregate classification (germline): Likely benign (1 of 4 stars; one submission).

Conditions:
KLF4-related disorder. Also called: KLF4-related condition.

gnomAD v4.1: 119 of 1,614,110 alleles (0.0074%); highest among the groups gnomAD compares: Non-Finnish European, 0.0097%; no homozygotes.

Submission:

PreventionGenetics, part of Exact Sciences
Classification: Likely benign for KLF4-related condition. Last evaluated: 2026-04-24. Review status: criteria provided, single submitter. Criteria: ACMG Guidelines, 2015. Collection method: clinical testing. Allele origin: germline.
Comment: This variant is classified as likely benign based on ACMG/AMP sequence variant interpretation guidelines (Richards et al. 2015 PMID: 25741868, with internal and published modifications).